The following is an entry in ClinVar:

NM_001447.3(FAT2):c.2870C>T (p.Ala957Val)

Gene: FAT2 (FAT atypical cadherin 2; minus strand). Cytogenetic location: 5q33.1.
Variant type: single nucleotide variant.
Coding change: c.2870C>T on transcript NM_001447.3 (MANE Select); coding-DNA position 2870, C replaced by T.
Protein change: p.Ala957Val; replaces alanine 957 with valine.
Molecular consequence: missense variant.
Genome position (GRCh38, 1-based): chr5:151,566,062, G>A on the plus strand (C>T on the coding strand, the complement: FAT2 is on the minus strand). VCF-style: chr5-151566062-G-A. GRCh37 (hg19) VCF-style: chr5-150945623-G-A.
Other names: short protein forms A957V.
Identifiers: ClinVar variation 2867214 (VCV002867214.3), dbSNP rs2127645162, ClinGen allele CA361851116.
Genomic context (GRCh38, chr5:151,566,062, plus strand): 5'-ATCAGGTCCACCCGGAAGGTCCCATGGGCGCCATCCATCAGAACATATCGCACTTCACCT[G>A]CGGGGCCCAGGTCAGGATCAGAGGCATCCAGAAATGTCAAGACAGTCCCGGGGGGCAGGT-3'
Protein context (NP_001438.1, residues 947-967): LDASDPDLGP[Ala957Val]GEVRYVLMDG

ClinVar aggregate classification (germline): Uncertain significance (1 of 4 stars; one submission).

Submission:

Labcorp Genetics (formerly Invitae), Labcorp
Classification: Uncertain significance. Last evaluated: 2024-04-22. Review status: criteria provided, single submitter. Criteria: Invitae Variant Classification Sherloc (09022015). Collection method: clinical testing. Allele origin: germline.
Comment: This sequence change replaces alanine, which is neutral and non-polar, with valine, which is neutral and non-polar, at codon 957 of the FAT2 protein (p.Ala957Val). This variant is not present in population databases (gnomAD no frequency). This variant has not been reported in the literature in individuals affected with FAT2-related conditions. Advanced modeling of protein sequence and biophysical properties (such as structural, functional, and spatial information, amino acid conservation, physicochemical variation, residue mobility, and thermodynamic stability) performed at Invitae indicates that this missense variant is not expected to disrupt FAT2 protein function with a negative predictive value of 80%. In summary, the available evidence is currently insufficient to determine the role of this variant in disease. Therefore, it has been classified as a Variant of Uncertain Significance.